The following is an entry in ClinVar:

NM_006231.4(POLE):c.6748G>T (p.Val2250Phe)

Gene: POLE (DNA polymerase epsilon, catalytic subunit; minus strand). Cytogenetic location: 12q24.33.
Variant type: single nucleotide variant.
Coding change: c.6748G>T on transcript NM_006231.4 (MANE Select); coding-DNA position 6748, G replaced by T.
Protein change: p.Val2250Phe; replaces valine 2250 with phenylalanine.
Molecular consequence: missense variant.
Genome position (GRCh38, 1-based): chr12:132,624,810, C>A on the plus strand (G>T on the coding strand, the complement: POLE is on the minus strand). VCF-style: chr12-132624810-C-A. GRCh37 (hg19) VCF-style: chr12-133201396-C-A.
Other names: c.6748G>T (NM_006231.2); short protein forms V2250F.
Identifiers: ClinVar variation 1517830 (VCV001517830.8), dbSNP rs756931710, ClinGen allele CA6891973.
Genomic context (GRCh38, chr12:132,624,810, plus strand): 5'-GGTACGACATGCCGTAGTGCTGGGCAATGTTCCGGAATATTCCGATCTGTTCCATGAAGA[C>A]CTGCAGGAATAAACAGGCACAGTGAGACCCCAGTCCACTCAGAGAGGAGGCCAAGGAGGC-3'
Protein context (NP_006222.2, residues 2240-2260): GDFALTIHTQ[Val2250Phe]FMEQIGIFRN

ClinVar aggregate classification (germline): Uncertain significance. Review status: criteria provided, multiple submitters, no conflicts (2 of 4 stars). 2 submissions from 2 submitters: Uncertain significance (2). Last evaluated 2025-03-07.

Conditions:
Hereditary cancer-predisposing syndrome. Also called: Tumor predisposition; Neoplastic Syndromes, Hereditary; Hereditary neoplastic syndrome; Hereditary Cancer Syndrome. Identifiers: Orphanet 140162, MedGen C0027672, MeSH D009386, MONDO:0015356.

Allele frequency attached by ClinVar (database versions not stated): gnomAD exomes below 0.00001; ExAC 0.00001; gnomAD 0.00001.
gnomAD v4.1: 2 of 1,608,708 alleles (0.00012%); highest among the groups gnomAD compares: African/African-American, 0.0013%; no homozygotes.

Submissions (2):

Labcorp Genetics (formerly Invitae), Labcorp
Classification: Uncertain significance. Last evaluated: 2025-03-07. Review status: criteria provided, single submitter. Criteria: Invitae Variant Classification Sherloc (09022015). Collection method: clinical testing. Allele origin: germline.
Comment: This sequence change replaces valine, which is neutral and non-polar, with phenylalanine, which is neutral and non-polar, at codon 2250 of the POLE protein (p.Val2250Phe). This variant is present in population databases (rs756931710, gnomAD 0.003%). This variant has not been reported in the literature in individuals affected with POLE-related conditions. ClinVar contains an entry for this variant (Variation ID: 1517830). An algorithm developed to predict the effect of missense changes on protein structure and function (PolyPhen-2) suggests that this variant is likely to be tolerated. In summary, the available evidence is currently insufficient to determine the role of this variant in disease. Therefore, it has been classified as a Variant of Uncertain Significance.

Ambry Genetics
Classification: Uncertain significance for Hereditary cancer-predisposing syndrome. Last evaluated: 2023-10-02. Review status: criteria provided, single submitter. Criteria: Ambry Variant Classification Scheme 2023. Collection method: clinical testing. Allele origin: germline.
Comment: The p.V2250F variant (also known as c.6748G>T) is located in coding exon 49 of the POLE gene. The valine at codon 2250 is replaced by phenylalanine, an amino acid with highly similar properties. This change occurs in the first base pair of coding exon 49. This amino acid position is conserved. In addition, this alteration is predicted to be tolerated by in silico analysis. Since supporting evidence is limited at this time, the clinical significance of this alteration remains unclear.